The following is an entry in ClinVar:

ClinVar aggregate classification (germline): Likely benign (1 of 4 stars; one submission).

Submission:

CeGaT Center for Human Genetics Tuebingen
Classification: Likely benign. Last evaluated: 2026-06-01. Review status: criteria provided, single submitter. Criteria: CeGaT Center For Human Genetics Tuebingen Variant Classification Criteria Version 2. Collection method: clinical testing. Allele origin: germline. Affected: yes. Observed: 1 variant allele.
Comment: MUC5B: PM2:Supporting, BP4, BP7

NM_002458.3(MUC5B):c.13233G>C (p.Pro4411=)

Gene: MUC5B (mucin 5B, oligomeric mucus/gel-forming; plus strand). Cytogenetic location: 11p15.5.
Variant type: single nucleotide variant.
Coding change: c.13233G>C on transcript NM_002458.3 (MANE Select); coding-DNA position 13233, G replaced by C.
Protein change: p.Pro4411=; no amino-acid change (proline 4411 retained).
Molecular consequence: synonymous variant.
Genome position (GRCh38, 1-based): chr11:1,250,113, G>C. VCF-style: chr11-1250113-G-C. GRCh37 (hg19) VCF-style: chr11-1271343-G-C.
Identifiers: ClinVar variation 4871991 (VCV004871991.2).